The following is an entry in ClinVar:

ClinVar aggregate classification (germline): Uncertain significance (1 of 4 stars; one submission).

Conditions:
Hereditary breast ovarian cancer syndrome. Also called: Hereditary breast and/or ovarian cancer syndrome; BRCA1- and BRCA2-Associated Hereditary Breast and Ovarian Cancer; Hereditary breast and ovarian cancer syndrome; Hereditary breast and ovarian cancer; Hereditary breast and ovarian cancer syndrome (HBOC); Breast and ovarian cancer. Identifiers: Orphanet 145, MedGen C0677776, MeSH D061325, MONDO:0003582. Disease mechanism: loss of function.

Submissions (2):

Labcorp Genetics (formerly Invitae), Labcorp
Classification: Uncertain significance for Hereditary breast ovarian cancer syndrome. Last evaluated: 2023-10-20. Review status: criteria provided, single submitter. Criteria: Invitae Variant Classification Sherloc (09022015). Collection method: clinical testing. Allele origin: germline.
Comment: This sequence change replaces phenylalanine, which is neutral and non-polar, with tyrosine, which is neutral and polar, at codon 1662 of the BRCA1 protein (p.Phe1662Tyr). This variant is not present in population databases (gnomAD no frequency). This variant has not been reported in the literature in individuals affected with BRCA1-related conditions. ClinVar contains an entry for this variant (Variation ID: 865489). An algorithm developed to predict the effect of missense changes on protein structure and function (PolyPhen-2) suggests that this variant is likely to be tolerated. In summary, the available evidence is currently insufficient to determine the role of this variant in disease. Therefore, it has been classified as a Variant of Uncertain Significance.

Brotman Baty Institute, University of Washington
No classification provided (evidence only). Condition: Breast-ovarian cancer, familial 1. Review status: no classification provided. Collection method: in vitro. Allele origin: not applicable. Functional consequence: functionally_normal. Not counted in ClinVar's aggregate classification.
ClinVar note: "not provided" was previously submitted as the classification for the variant. However, the classification appeared to be based only on an observation of functional data so it was converted to no classification on 2025-07-30.

NM_007294.4(BRCA1):c.4985T>A (p.Phe1662Tyr)

Gene: BRCA1 (BRCA1 DNA repair associated; minus strand). Cytogenetic location: 17q21.31.
Variant type: single nucleotide variant.
Coding change: c.4985T>A on transcript NM_007294.4 (MANE Select); coding-DNA position 4985, T replaced by A.
Protein change: p.Phe1662Tyr; replaces phenylalanine 1662 with tyrosine.
Molecular consequence: missense variant. On other transcripts: non-coding transcript variant (1).
Genome position (GRCh38, 1-based): chr17:43,070,929, A>T on the plus strand (T>A on the coding strand, the complement: BRCA1 is on the minus strand). VCF-style: chr17-43070929-A-T. GRCh37 (hg19) VCF-style: chr17-41222946-A-T.
Other names: c.1670T>A, p.Phe557Tyr (NM_001408392.1, NM_001408396.1, NM_001408397.1 and 8 more transcripts); c.1595T>A, p.Phe532Tyr (NM_001408413.1, NM_001408414.1, NM_001408415.1 and 2 more transcripts); c.1559T>A, p.Phe520Tyr (NM_001408418.1, NM_001408419.1, NM_001408420.1); c.1556T>A, p.Phe519Tyr (NM_001408421.1, NM_001408422.1, NM_001408423.1 and 1 more transcripts); c.1550T>A, p.Phe517Tyr (NM_001408433.1, NM_001408434.1, NM_001408435.1 and 10 more transcripts); c.1535T>A, p.Phe512Tyr (NM_001408453.1, NM_001408454.1, NM_001408455.1 and 3 more transcripts); c.1532T>A, p.Phe511Tyr (NM_001408458.1, NM_001408459.1, NM_001408460.1 and 7 more transcripts); c.1475T>A, p.Phe492Tyr (NM_001408474.1); and 70 more; short protein forms F1662Y, F1683Y, F1615Y, F558Y, F1534Y, F1550Y, F1573Y, F1619Y.
Identifiers: ClinVar variation 865489 (VCV000865489.6), dbSNP rs28897695, ClinGen allele CA10591554.